The following is an entry in ClinVar:

NM_000089.4(COL1A2):c.1268G>A (p.Arg423His)

Gene: COL1A2 (collagen type I alpha 2 chain; plus strand). Cytogenetic location: 7q21.3.
Variant type: single nucleotide variant.
Coding change: c.1268G>A on transcript NM_000089.4 (MANE Select); coding-DNA position 1268, G replaced by A.
Protein change: p.Arg423His; replaces arginine 423 with histidine.
Molecular consequence: missense variant.
Genome position (GRCh38, 1-based): chr7:94,411,072, G>A. VCF-style: chr7-94411072-G-A. GRCh37 (hg19) VCF-style: chr7-94040384-G-A.
Other names: c.1268G>A (LRG_2t1); short protein forms R423H.
Identifiers: ClinVar variation 425647 (VCV000425647.59), dbSNP rs764780528, ClinGen allele CA4346994.

ClinVar aggregate classification (germline): Uncertain significance. Review status: criteria provided, multiple submitters, no conflicts (2 of 4 stars). 9 submissions from 9 submitters: Uncertain significance (8). 1 of the submissions does not count toward it. Last evaluated 2026-01-17.

Conditions:
Osteogenesis imperfecta with normal sclerae, dominant form (OI4). Also called: Osteogenesis imperfecta type 4; OSTEOGENESIS IMPERFECTA WITH NORMAL SCLERAE; Common Variable Osteogenesis Imperfecta with Normal Sclerae; Osteogenesis Imperfecta Type IV; OSTEOGENESIS IMPERFECTA, TYPE IV, WITH DENTINOGENESIS IMPERFECTA. Identifiers: Orphanet 216820, Orphanet 666, MedGen C0268363, MONDO:0008148, OMIM 166220.
Ehlers-Danlos syndrome, cardiac valvular type. Identifiers: Orphanet 230851, MedGen C4303789, MONDO:0009159, OMIM 225320.
Ehlers-Danlos syndrome, arthrochalasia type, 2. Also called: EHLERS-DANLOS SYNDROME, TYPE VIIB, AUTOSOMAL DOMINANT. Identifiers: MedGen CN293783, MONDO:0040501, OMIM 617821.
Combined osteogenesis imperfecta and Ehlers-Danlos syndrome 2. Also called: OIEDS SYNDROME 2. Identifiers: MedGen C5436847, MONDO:0030855, OMIM 619120.
Osteogenesis imperfecta, perinatal lethal (OI2). Also called: Osteogenesis imperfecta type 2; Osteogenesis imperfecta, dominant perinatal lethal; OI, TYPE II; OSTEOGENESIS IMPERFECTA CONGENITA; OSTEOGENESIS IMPERFECTA, TYPE II; VROLIK TYPE OF OSTEOGENESIS IMPERFECTA. Identifiers: Orphanet 216804, MedGen C0268358, MONDO:0008147, OMIM 166210.
Osteogenesis imperfecta type III (OI3). Also called: Osteogenesis imperfecta type 3; OI type 3; Osteogenesis imperfecta, progressively deforming with normal sclerae; OI type III; Progressively Deforming Osteogenesis Imperfecta. Identifiers: Orphanet 216812, Orphanet 666, MedGen C0268362, MONDO:0009804, OMIM 259420.
Osteoporosis. Identifiers: MedGen C0029456, MONDO:0005298, OMIM 166710, HP:0000939.
Ehlers-Danlos syndrome, classic type, 1 (EDSCL1). Also called: EDS I; Ehlers-Danlos Syndrome, Classic Type, COL5A1-Related; Ehlers-Danlos syndrome, type 1; EHLERS-DANLOS SYNDROME, GRAVIS TYPE; EHLERS-DANLOS SYNDROME, SEVERE CLASSIC TYPE. Identifiers: MedGen C0268335, MONDO:0019567, OMIM 130000.
Osteogenesis imperfecta type I (OI1). Also called: Osteogenesis imperfecta type 1; Lobstein's Disease; OI, TYPE I; OSTEOGENESIS IMPERFECTA TARDA; OSTEOGENESIS IMPERFECTA WITH BLUE SCLERAE; Lobstein disease. Identifiers: Orphanet 216796, Orphanet 666, MedGen C0023931, MONDO:0008146, OMIM 166200. Disease mechanism: loss of function.
Cardiovascular phenotype. Identifiers: MedGen CN230736.

Allele frequency attached by ClinVar (database versions not stated): gnomAD 0.00006 and 0.00005; gnomAD exomes 0.00009 and 0.00004; ExAC 0.00013.
gnomAD v4.1: 74 of 1,599,816 alleles (0.0046%); highest among the groups gnomAD compares: South Asian, 0.0067%; no homozygotes.

Submissions (9):

Labcorp Genetics (formerly Invitae), Labcorp
Classification: Uncertain significance for Osteogenesis imperfecta type I; Ehlers-Danlos syndrome, classic type, 1. Last evaluated: 2026-01-17. Review status: criteria provided, single submitter. Criteria: Invitae Variant Classification Sherloc (09022015). Collection method: clinical testing. Allele origin: germline.
Comment: This sequence change replaces arginine, which is basic and polar, with histidine, which is basic and polar, at codon 423 of the COL1A2 protein (p.Arg423His). The frequency data for this variant in the population databases is considered unreliable, as metrics indicate poor data quality at this position in the gnomAD database. This missense change has been observed in individual(s) with osteogenesis imperfecta (PMID: 27510842, 30715774, 39316135). ClinVar contains an entry for this variant (Variation ID: 425647). Invitae Evidence Modeling of protein sequence and biophysical properties (such as structural, functional, and spatial information, amino acid conservation, physicochemical variation, residue mobility, and thermodynamic stability) has been performed for this missense variant. However, the output from this modeling did not meet the statistical confidence thresholds required to predict the impact of this variant on COL1A2 protein function. In summary, the available evidence is currently insufficient to determine the role of this variant in disease. Therefore, it has been classified as a Variant of Uncertain Significance.

Women's Health and Genetics/Laboratory Corporation of America, LabCorp
Classification: Uncertain significance. Last evaluated: 2025-11-28. Review status: criteria provided, single submitter. Criteria: LabCorp Variant Classification Summary - May 2015. Collection method: clinical testing. Allele origin: germline.
Comment: Variant summary: COL1A2 c.1268G>A (p.Arg423His) results in a non-conservative amino acid change in the encoded protein sequence. Algorithms developed to predict the effect of missense changes on protein structure and function all suggest that this variant is likely to be disruptive. The variant allele was found at a frequency of 9e-05 in 232794 control chromosomes (gnomAD). This frequency is not significantly higher than estimated for disease-causing variants in COL1A2, allowing no conclusion about variant significance. c.1268G>A has been observed in individual(s) affected with Osteogenesis Imperfecta or early-onset osteoporosis without evidence of cosegregation with disease (e.g., Lindahl_2015, Malmgren_2017, Li_2019, Mancini_2024). These reports do not provide unequivocal conclusions about association of the variant with Osteogenesis Imperfecta. To our knowledge, no experimental evidence demonstrating an impact on protein function has been reported. The following publications have been ascertained in the context of this evaluation (PMID: 27510842, 30715774, 39316135, 25944380). ClinVar contains an entry for this variant (Variation ID: 425647). Based on the evidence outlined above, the variant was classified as uncertain significance.

Ambry Genetics
Classification: Uncertain significance for Cardiovascular phenotype. Last evaluated: 2025-02-24. Review status: criteria provided, single submitter. Criteria: Ambry Variant Classification Scheme 2023. Collection method: clinical testing. Allele origin: germline.
Comment: The p.R423H variant (also known as c.1268G>A), located in coding exon 23 of the COL1A2 gene, results from a G to A substitution at nucleotide position 1268. The arginine at codon 423 is replaced by histidine, an amino acid with highly similar properties. This variant has been reported in osteogenesis imperfecta cohorts, including type III and type IV cases; however, in one case, this variant was inherited from an unaffected mother, and a de novo COL1A2 splicing mutation was also detected in the proband (Lindahl K et al. Eur J Hum Genet, 2015 Aug;23:1042-50; Li L et al. Hum Mutat, 2019 05;40:588-600). This variant has also been reported in an osteogenesis imperfecta type I cohort, an exome sequencing cohort and a Chiari malformation cohort (Farwell KD et al. Genet Med, 2015 Jul;17:578-86; Andersson K et al. PLoS One, 2017 May;12:e0176466Urbizu A et al. PLoS One, 2021 May;16:e0251289). This amino acid position is highly conserved in available vertebrate species. In addition, this alteration is predicted to be deleterious by in silico analysis. Based on the available evidence, the clinical significance of this variant remains unclear.

Blueprint Genetics
Classification: Uncertain significance. Last evaluated: 2024-08-01. Review status: criteria provided, single submitter. Criteria: ACMG Guidelines, 2015. Collection method: clinical testing. Allele origin: germline.

Fulgent Genetics
Classification: Uncertain significance for Osteogenesis imperfecta, perinatal lethal; Osteogenesis imperfecta with normal sclerae, dominant form; Osteoporosis; Ehlers-Danlos syndrome, cardiac valvular type; Osteogenesis imperfecta type III; Ehlers-Danlos syndrome, arthrochalasia type, 2; Combined osteogenesis imperfecta and Ehlers-Danlos syndrome 2. Last evaluated: 2024-02-28. Review status: criteria provided, single submitter. Criteria: ACMG Guidelines, 2015. Collection method: clinical testing. Allele origin: germline.

GeneDx
Classification: Uncertain significance. Last evaluated: 2023-12-15. Review status: criteria provided, single submitter. Criteria: GeneDx Variant Classification Process June 2021. Collection method: clinical testing. Allele origin: germline. Affected: yes.
Comment: Identified in an individual with OI type III and an individual with OI type IV in published literature; of note, the individual with OI type IV also harbored a pathogenic splice site variant in the COL1A2 gene and p.(R423H) was inherited from a healthy parent (PMID: 25944380, 27510842, 28498836); Occurs in the triple helical domain at the Y position in the canonical Gly-X-Y repeat. Although this variant may have an effect on normal protein folding and function, missense substitution at the Y position is not a common mechanism of disease (HGMD); In silico analysis supports that this missense variant has a deleterious effect on protein structure/function; This variant is associated with the following publications: (PMID: 28498836, 27510842, 33974636, 30715774, 25944380)

Clinical Genetics Laboratory, Skane University Hospital Lund
Classification: Uncertain significance. Last evaluated: 2023-05-05. Review status: criteria provided, single submitter. Criteria: ACMG Guidelines, 2015. Collection method: clinical testing. Allele origin: germline. Affected: yes.

CeGaT Center for Human Genetics Tuebingen
Classification: Uncertain significance. Last evaluated: 2019-06-01. Review status: criteria provided, single submitter. Criteria: CeGaT Center For Human Genetics Tuebingen Variant Classification Criteria Version 2. Collection method: clinical testing. Allele origin: germline. Affected: yes. Observed: 1 variant allele.

Department of Medical Sciences, Uppsala University
Classification: Uncertain significance for OI type III. Review status: no assertion criteria provided. Collection method: clinical testing. Allele origin: maternal. Affected: yes. Observed: 1 variant allele. Not counted in ClinVar's aggregate classification.

Literature cited by the submitters: PubMed 27510842 (cited by 3 submitters); PubMed 30715774 (cited by 3 submitters); PubMed 39316135 (cited by Labcorp Genetics (formerly Invitae), Labcorp and Women's Health and Genetics/Laboratory Corporation of America, LabCorp); PubMed 25944380 (cited by 3 submitters); PubMed 25356970 (cited by Ambry Genetics); PubMed 28498836 (cited by Ambry Genetics); PubMed 33974636 (cited by Ambry Genetics).